The following is an entry in ClinVar:

ClinVar aggregate classification (germline): Likely pathogenic (1 of 4 stars; one submission).

Conditions:
Cardiovascular phenotype. Identifiers: MedGen CN230736.

Submission:

Ambry Genetics
Classification: Likely pathogenic for Cardiovascular phenotype. Last evaluated: 2023-02-15. Review status: criteria provided, single submitter. Criteria: Ambry Variant Classification Scheme 2023. Collection method: clinical testing. Allele origin: germline.
Comment: The p.Q24126* variant (also known as c.72376C>T), located in coding exon 182 of the TTN gene, results from a C to T substitution at nucleotide position 72376. This changes the amino acid from a glutamine to a stop codon within coding exon 182. This exon is located in the A-band region of the N2-B isoform of the titin protein and is constitutively expressed in TTN transcripts (percent spliced in or PSI 100%). This variant is considered to be rare based on population cohorts in the Genome Aggregation Database (gnomAD). This alteration is expected to result in loss of function by premature protein truncation or nonsense-mediated mRNA decay. While truncating variants in TTN are present in 1-3% of the general population, truncating variants in the A-band are the most common cause of dilated cardiomyopathy (DCM) (Herman DS et al. N. Engl. J. Med., 2012 Feb;366:619-28; Roberts AM et al. Sci Transl Med, 2015 Jan;7:270ra6). TTN truncating variants encoded in constitutive exons (PSI >90%) have been found to be significantly associated with DCM regardless of their position in titin (Schafer S et al. Nat. Genet., 2017 01;49:46-53). Based on the majority of available evidence to date, this variant is likely to be pathogenic.

NM_001267550.2(TTN):c.99571C>T (p.Gln33191Ter)

Genes: TTN (titin; minus strand), TTN-AS1 (TTN antisense RNA 1; plus strand). Cytogenetic location: 2q31.2.
Variant type: single nucleotide variant.
Coding change: c.99571C>T on transcript NM_001267550.2 (MANE Select); coding-DNA position 99571, C replaced by T.
Protein change: p.Gln33191Ter; replaces glutamine 33191 with a stop codon.
Molecular consequence: nonsense. On other transcripts: non-coding transcript variant (1).
Genome position (GRCh38, 1-based): chr2:178,537,636, G>A on the plus strand (C>T on the coding strand, the complement: TTN is on the minus strand). VCF-style: chr2-178537636-G-A. GRCh37 (hg19) VCF-style: chr2-179402363-G-A.
Other names: c.94648C>T, p.Gln31550Ter (NM_001256850.1); c.72376C>T, p.Gln24126Ter (NM_003319.4); c.91867C>T, p.Gln30623Ter (NM_133378.4); c.72751C>T, p.Gln24251Ter (NM_133432.3); c.72952C>T, p.Gln24318Ter (NM_133437.4); short protein forms Q24251*, Q24318*, Q33191*, Q30623*, Q24126*, Q31550*.
Identifiers: ClinVar variation 2451919 (VCV002451919.2), dbSNP rs2468679007, ClinGen allele CA349427932.